The following is an entry in ClinVar:

ClinVar aggregate classification (germline): Uncertain significance (1 of 4 stars; one submission).

Conditions:
Inborn genetic diseases. Identifiers: MedGen C0950123, MeSH D030342.

Submission:

Ambry Genetics
Classification: Uncertain significance for Inborn genetic diseases. Last evaluated: 2024-12-09. Review status: criteria provided, single submitter. Criteria: Ambry Variant Classification Scheme 2023. Collection method: clinical testing. Allele origin: germline.
Comment: The p.G747V variant (also known as c.2240G>T), located in coding exon 14 of the RECQL4 gene, results from a G to T substitution at nucleotide position 2240. The glycine at codon 747 is replaced by valine, an amino acid with dissimilar properties. This amino acid position is conserved. In addition, this alteration is predicted to be deleterious by in silico analysis. Based on the available evidence, the clinical significance of this variant remains unclear.

NM_004260.4(RECQL4):c.2240G>T (p.Gly747Val)

Gene: RECQL4 (RecQ like helicase 4; minus strand). Cytogenetic location: 8q24.3.
Variant type: single nucleotide variant.
Coding change: c.2240G>T on transcript NM_004260.4 (MANE Select); coding-DNA position 2240, G replaced by T.
Protein change: p.Gly747Val; replaces glycine 747 with valine.
Molecular consequence: missense variant. On other transcripts: non-coding transcript variant (3).
Genome position (GRCh38, 1-based): chr8:144,513,441, C>A on the plus strand (G>T on the coding strand, the complement: RECQL4 is on the minus strand). VCF-style: chr8-144513441-C-A. GRCh37 (hg19) VCF-style: chr8-145738825-C-A.
Other names: c.2144G>T, p.Gly715Val (NM_001413017.1, NM_001413020.1); c.2240G>T, p.Gly747Val (NM_001413018.1, NM_001413019.1, NM_001413036.1); c.1169G>T, p.Gly390Val (NM_001413021.1, NM_001413022.1, NM_001413023.1 and 6 more transcripts); c.2111G>T, p.Gly704Val (NM_001413025.1); c.1103G>T, p.Gly368Val (NM_001413027.1, NM_001413030.1, NM_001413032.1 and 1 more transcripts); c.1889G>T, p.Gly630Val (NM_001413029.1); c.971G>T, p.Gly324Val (NM_001413031.1); c.2108G>T, p.Gly703Val (NM_001413033.1); and 4 more; short protein forms G324V, G368V, G380V, G390V, G704V, G630V, G747V, G258V.
Identifiers: ClinVar variation 3431929 (VCV003431929.1).